The following is an entry in ClinVar:

ClinVar aggregate classification (germline): Benign/Likely benign. Review status: criteria provided, multiple submitters, no conflicts (2 of 4 stars). 3 submissions from 3 submitters: Benign (1); Likely benign (2). Last evaluated 2026-04-29.

Conditions:
Colorectal cancer, hereditary nonpolyposis, type 7. Identifiers: Orphanet 144, MedGen C1858380, MONDO:0013725, OMIM 614385.

Allele frequency attached by ClinVar (database versions not stated): gnomAD 0.00001; TOPMed below 0.00001.

Submissions (3):

Myriad Genetics, Inc.
Classification: Benign for Colorectal cancer, hereditary nonpolyposis, type 7. Last evaluated: 2026-04-29. Review status: criteria provided, single submitter. Criteria: Myriad Autosomal Dominant, Autosomal Recessive and X-Linked Classification Criteria (2023). Collection method: clinical testing. Allele origin: unknown.
Comment: This variant is considered benign. This variant is a silent/synonymous amino acid change and it is not expected to impact splicing.

Labcorp Genetics (formerly Invitae), Labcorp
Classification: Likely benign for Colorectal cancer, hereditary nonpolyposis, type 7. Last evaluated: 2025-07-30. Review status: criteria provided, single submitter. Criteria: Invitae Variant Classification Sherloc (09022015). Collection method: clinical testing. Allele origin: germline.

Ambry Genetics
Classification: Likely benign. Last evaluated: 2020-05-26. Review status: criteria provided, single submitter. Criteria: Ambry Variant Classification Scheme 2023. Collection method: clinical testing. Allele origin: germline.

NM_001040108.2(MLH3):c.1107T>C (p.Asn369=)

Gene: MLH3 (mutL homolog 3; minus strand). Cytogenetic location: 14q24.3.
Variant type: single nucleotide variant.
Coding change: c.1107T>C on transcript NM_001040108.2 (MANE Select); coding-DNA position 1107, T replaced by C.
Protein change: p.Asn369=; no amino-acid change (asparagine 369 retained).
Molecular consequence: synonymous variant.
Genome position (GRCh38, 1-based): chr14:75,048,549, A>G on the plus strand (T>C on the coding strand, the complement: MLH3 is on the minus strand). VCF-style: chr14-75048549-A-G. GRCh37 (hg19) VCF-style: chr14-75515252-A-G.
Other names: c.1107T>C, p.Asn369= (NM_014381.3).
Identifiers: ClinVar variation 1645332 (VCV001645332.11), dbSNP rs1892431997, ClinGen allele CA487274015.